The following is an entry in ClinVar:

ClinVar aggregate classification (germline): Benign. Review status: criteria provided, multiple submitters, no conflicts (2 of 4 stars). 8 submissions from 8 submitters: Benign (5). 3 of the submissions do not count toward it. Last evaluated 2026-02-04.

Conditions:
Congenital lactic acidosis, Saguenay-Lac-Saint-Jean type (MC4DN5). Also called: CYTOCHROME c OXIDASE DEFICIENCY, FRENCH CANADIAN TYPE; COX DEFICIENCY, FRENCH CANADIAN TYPE; MITOCHONDRIAL COMPLEX IV DEFICIENCY, NUCLEAR TYPE 5. Identifiers: Orphanet 70472, MedGen C1857355, MONDO:0009069, OMIM 220111.

Allele frequency attached by ClinVar (database versions not stated): ESP Exome Variant Server 0.11518; gnomAD 0.14931; TOPMed 0.15383; gnomAD exomes 0.17424 and 0.21521; ExAC 0.20989; 1000 Genomes Project 30x 0.24703; 1000 Genomes Project 0.25579.
gnomAD v4.1: 278,294 of 1,610,560 alleles (17%); highest among the groups gnomAD compares: East Asian, 50%; 29,348 homozygotes.

Submissions (8):

Labcorp Genetics (formerly Invitae), Labcorp
Classification: Benign. Last evaluated: 2026-02-04. Review status: criteria provided, single submitter. Criteria: Invitae Variant Classification Sherloc (09022015). Collection method: clinical testing. Allele origin: germline.

Genome-Nilou Lab
Classification: Benign for Congenital lactic acidosis, Saguenay-Lac-Saint-Jean type. Last evaluated: 2021-07-10. Review status: criteria provided, single submitter. Criteria: ACMG Guidelines, 2015. Collection method: clinical testing. Allele origin: germline. Affected: no.

Illumina Laboratory Services, Illumina
Classification: Benign for Congenital lactic acidosis, Saguenay-Lac-Saint-Jean type. Last evaluated: 2018-01-13. Review status: criteria provided, single submitter. Criteria: ICSL Variant Classification Criteria 13 December 2019. Collection method: clinical testing. Allele origin: germline.
Comment: This variant was observed in the ICSL laboratory as part of a predisposition screen in an ostensibly healthy population. It had not been previously curated by ICSL or reported in the Human Gene Mutation Database (HGMD: prior to June 1st, 2018), and was therefore a candidate for classification through an automated scoring system. Utilizing variant allele frequency, disease prevalence and penetrance estimates, and inheritance mode, an automated score was calculated to assess if this variant is too frequent to cause the disease. Based on the score and internal cut-off values, a variant classified as benign is not then subjected to further curation. The score for this variant resulted in a classification of benign for this disease.

GeneDx
Classification: Benign. Last evaluated: 2015-03-03. Review status: criteria provided, single submitter. Criteria: GeneDx Variant Classification Process June 2021. Collection method: clinical testing. Allele origin: germline. Affected: yes.

Breakthrough Genomics
Classification: Benign. Review status: criteria provided, single submitter. Criteria: ACMG Guidelines, 2015. Collection method: not provided. Allele origin: germline. Inheritance: Autosomal recessive inheritance. Affected: yes.

Natera, Inc.
Classification: Benign for French-Canadian type Leigh syndrome. Last evaluated: 2019-11-20. Review status: no assertion criteria provided. Collection method: clinical testing. Allele origin: germline. Not counted in ClinVar's aggregate classification.

Mayo Clinic Laboratories, Mayo Clinic
Classification: Benign. Last evaluated: 2016-02-19. Review status: no assertion criteria provided. Collection method: clinical testing. Allele origin: unknown. Not counted in ClinVar's aggregate classification.

Genetic Services Laboratory, University of Chicago
Classification: Likely benign for AllHighlyPenetrant. Review status: no assertion criteria provided. Collection method: clinical testing. Allele origin: germline. Inheritance: Autosomal recessive inheritance. Not counted in ClinVar's aggregate classification.
Comment: Likely benign based on allele frequency in 1000 Genomes Project or ESP global frequency and its presence in a patient with a rare or unrelated disease phenotype. NOT Sanger confirmed.

NM_133259.4(LRPPRC):c.1068A>G (p.Gln356=)

Gene: LRPPRC (leucine rich pentatricopeptide repeat containing; minus strand). Cytogenetic location: 2p21.
Variant type: single nucleotide variant.
Coding change: c.1068A>G on transcript NM_133259.4 (MANE Select); coding-DNA position 1068, A replaced by G.
Protein change: p.Gln356=; no amino-acid change (glutamine 356 retained).
Molecular consequence: synonymous variant.
Genome position (GRCh38, 1-based): chr2:43,974,237, T>C on the plus strand (A>G on the coding strand, the complement: LRPPRC is on the minus strand). VCF-style: chr2-43974237-T-C. GRCh37 (hg19) VCF-style: chr2-44201376-T-C.
Identifiers: ClinVar variation 129547 (VCV000129547.31), dbSNP rs4953042, ClinGen allele CA153618.
Genomic context (GRCh38, chr2:43,974,237, plus strand): 5'-AAAGAAACTGCCAAAGACACTTGGGCCATCTTCCTTTGATACGGGGCATGCTAGTAAAAT[T>C]TGCAACGCTACATCTTCCAATTTTTCAGTGACTAAAAGTAAAATGAGGTTCATTGCATCT-3'
Protein context (NP_573566.2, residues 346-366): VTEKLEDVAL[Gln356=]ILLACPVSKE